The following is an entry in ClinVar:

ClinVar aggregate classification (germline): Pathogenic. Review status: criteria provided, multiple submitters, no conflicts (2 of 4 stars). 2 submissions from 2 submitters: Pathogenic (2). Last evaluated 2024-06-04.

Conditions:
Congenital adrenal hypoplasia, X-linked (AHC). Also called: ADRENAL HYPOPLASIA, CONGENITAL, WITH HYPOGONADOTROPIC HYPOGONADISM; Isolated X-Linked Adrenal Hypoplasia Congenita; X-linked AHC; X-Linked Adrenal Hypoplasia Congenita. Identifiers: Orphanet 95702, MedGen C0342482, MONDO:0010264, OMIM 300200. Disease mechanism: loss of function.

Submissions (2):

GeneDx
Classification: Pathogenic. Last evaluated: 2024-06-04. Review status: criteria provided, single submitter. Criteria: GeneDx Variant Classification Process June 2021. Collection method: clinical testing. Allele origin: germline. Affected: yes.
Comment: Frameshift variant predicted to result in protein truncation or nonsense mediated decay in a gene for which loss of function is a known mechanism of disease; Not observed at significant frequency in large population cohorts (gnomAD); Also known as 784delAA; This variant is associated with the following publications: (PMID: Komachali2022[CaseReport], 7990958)

Institute of Human Genetics Munich, TUM University Hospital
Classification: Pathogenic for Congenital adrenal hypoplasia, X-linked. Last evaluated: 2017-09-20. Review status: criteria provided, single submitter. Criteria: Classification criteria August 2017. Collection method: clinical testing. Allele origin: maternal. Inheritance: X-linked recessive inheritance. Affected: yes. Observed: 2 hemizygotes.

Literature cited by the submitters: PubMed 7990958 (cited by Institute of Human Genetics Munich, TUM University Hospital).

NM_000475.5(NR0B1):c.551_552del (p.Lys184fs)

Gene: NR0B1 (nuclear receptor subfamily 0 group B member 1; minus strand). Cytogenetic location: Xp21.2.
Variant type: Deletion.
Coding change: c.551_552del on transcript NM_000475.5 (MANE Select); coding-DNA positions 551 to 552, 2 bases deleted (AA; older notation c.551_552delAA).
Protein change: p.Lys184fs; shifts the reading frame from lysine 184.
Molecular consequence: frameshift variant.
Genome position (GRCh38, 1-based): chrX:30,308,812-30,308,813, TT deleted on the plus strand (AA on the coding strand, the reverse complement: NR0B1 is on the minus strand); deleting any 2 consecutive bases within chrX:30,308,812-30,308,814 gives the same sequence; the c. name uses the placement nearest the transcript's 3' end. VCF-style (leftmost placement, unchanged base first): chrX-30308811-CTT-C. GRCh37 (hg19) VCF-style: chrX-30326928-CTT-C.
Other names: c.551_552del (NM_000475.4); short protein forms K184fs.
Identifiers: ClinVar variation 444085 (VCV000444085.4), dbSNP rs1555973115, ClinGen allele CA658653712.